The following is an entry in ClinVar:

NM_001267550.2(TTN):c.87855A>G (p.Gln29285=)

Genes: TTN (titin; minus strand), TTN-AS1 (TTN antisense RNA 1; plus strand). Cytogenetic location: 2q31.2.
Variant type: single nucleotide variant.
Coding change: c.87855A>G on transcript NM_001267550.2 (MANE Select); coding-DNA position 87855, A replaced by G.
Protein change: p.Gln29285=; no amino-acid change (glutamine 29285 retained).
Molecular consequence: synonymous variant.
Genome position (GRCh38, 1-based): chr2:178,557,407, T>C on the plus strand (A>G on the coding strand, the complement: TTN is on the minus strand). VCF-style: chr2-178557407-T-C. GRCh37 (hg19) VCF-style: chr2-179422134-T-C.
Other names: c.82932A>G, p.Gln27644= (NM_001256850.1); c.60660A>G, p.Gln20220= (NM_003319.4); c.80151A>G, p.Gln26717= (NM_133378.4); c.61035A>G, p.Gln20345= (NM_133432.3); c.61236A>G, p.Gln20412= (NM_133437.4).
Identifiers: ClinVar variation 5039961 (VCV005039961.1).
Genomic context (GRCh38, chr2:178,557,407, plus strand): 5'-TCCAGCACTGATTGTTGTGACTTTGAAGTGAGTTGTGCGGATGACCAGTTTGTTGGCTTT[T>C]TGCCATAAAATACTGTTTCTGTCTTTCATTTCCAGGTGATAGCCTACGACTGCACTGCCT-3'
Protein context (NP_001254479.2, residues 29275-29295): EMKDRNSILW[Gln29285=]KANKLVIRTT

ClinVar aggregate classification (germline): Likely benign (1 of 4 stars; one submission).

Submission:

CeGaT Center for Human Genetics Tuebingen
Classification: Likely benign. Last evaluated: 2026-08-01. Review status: criteria provided, single submitter. Criteria: CeGaT Center For Human Genetics Tuebingen Variant Classification Criteria Version 2. Collection method: clinical testing. Allele origin: germline. Affected: yes. Observed: 1 variant allele.
Comment: TTN: PM2:Supporting, BP4, BP7